The following is an entry in ClinVar:

NM_001001331.4(ATP2B2):c.941-106del

Gene: ATP2B2 (ATPase plasma membrane Ca2+ transporting 2; minus strand). Cytogenetic location: 3p25.3.
Variant type: Deletion.
Coding change: c.941-106del on transcript NM_001001331.4 (MANE Select); 106 bases into the intron before coding-DNA position 941, one base deleted (T; older notation c.941-106delT).
Molecular consequence: intron variant.
Genome position (GRCh38, 1-based): chr3:10,385,433, A deleted on the plus strand (T on the coding strand, the reverse complement: ATP2B2 is on the minus strand); the first of 11 consecutive A bases (chr3:10,385,433-10,385,443); deleting any one gives the same sequence. VCF-style (leftmost placement, unchanged base first): chr3-10385432-TA-T. GRCh37 (hg19) VCF-style: chr3-10427116-TA-T.
Other names: c.907+2844del (NM_001353564.1, NM_001683.5, NM_001330611.3 and 1 more transcripts).
Identifiers: ClinVar variation 1707361 (VCV001707361.2), dbSNP rs113091828, ClinGen allele CA540903447.

ClinVar aggregate classification (germline): Likely benign (1 of 4 stars; one submission).

Submission:

GeneDx
Classification: Likely benign. Last evaluated: 2021-05-20. Review status: criteria provided, single submitter. Criteria: GeneDx Variant Classification Process June 2021. Collection method: clinical testing. Allele origin: germline. Affected: yes.
Comment: See Variant Classification Assertion Criteria.